The following is an entry in ClinVar:

ClinVar aggregate classification (germline): Likely benign. Review status: criteria provided, single submitter (1 of 4 stars). 2 submissions from 2 submitters: Likely benign (1). 1 of the submissions does not count toward it. Last evaluated 2023-12-29.

Conditions:
KSR2-related disorder. Also called: KSR2-related condition.

Allele frequency attached by ClinVar (database versions not stated): gnomAD 0.00001; TOPMed 0.00002.
gnomAD v4.1: 50 of 1,610,750 alleles (0.0031%); highest among the groups gnomAD compares: Non-Finnish European, 0.0041%; no homozygotes.

Submissions (2):

Blueprint Genetics
Classification: Likely benign. Last evaluated: 2023-12-29. Review status: criteria provided, single submitter. Criteria: ACMG Guidelines, 2015. Collection method: clinical testing. Allele origin: germline.

PreventionGenetics, part of Exact Sciences
Classification: Likely benign for KSR2-related condition. Last evaluated: 2020-06-26. Review status: no assertion criteria provided. Collection method: clinical testing. Allele origin: germline. Not counted in ClinVar's aggregate classification.
Comment: This variant is classified as likely benign based on ACMG/AMP sequence variant interpretation guidelines (Richards et al. 2015 PMID: 25741868, with internal and published modifications).

NM_173598.6(KSR2):c.1566C>T (p.Ser522=)

Gene: KSR2 (kinase suppressor of ras 2; minus strand). Cytogenetic location: 12q24.22.
Variant type: single nucleotide variant.
Coding change: c.1566C>T on transcript NM_173598.6 (MANE Select); coding-DNA position 1566, C replaced by T.
Protein change: p.Ser522=; no amino-acid change (serine 522 retained).
Molecular consequence: synonymous variant.
Genome position (GRCh38, 1-based): chr12:117,539,840, G>A on the plus strand (C>T on the coding strand, the complement: KSR2 is on the minus strand). VCF-style: chr12-117539840-G-A. GRCh37 (hg19) VCF-style: chr12-117977645-G-A.
Identifiers: ClinVar variation 3035955 (VCV003035955.3), dbSNP rs772309831, ClinGen allele CA245052793.